The following is an entry in ClinVar:

ClinVar aggregate classification (germline): Uncertain significance (1 of 4 stars; one submission).

gnomAD v4.1: 2 of 1,614,168 alleles (0.00012%); highest among the groups gnomAD compares: Admixed American, 0.0033%; 1 homozygote.

Submission:

Labcorp Genetics (formerly Invitae), Labcorp
Classification: Uncertain significance. Last evaluated: 2025-08-15. Review status: criteria provided, single submitter. Criteria: Invitae Variant Classification Sherloc (09022015). Collection method: clinical testing. Allele origin: germline.
Comment: This sequence change replaces valine, which is neutral and non-polar, with glycine, which is neutral and non-polar, at codon 1154 of the DUOX2 protein (p.Val1154Gly). This variant is not present in population databases (gnomAD no frequency). This variant has not been reported in the literature in individuals affected with DUOX2-related conditions. Invitae Evidence Modeling of protein sequence and biophysical properties (such as structural, functional, and spatial information, amino acid conservation, physicochemical variation, residue mobility, and thermodynamic stability) indicates that this missense variant is not expected to disrupt DUOX2 protein function with a negative predictive value of 80%. In summary, the available evidence is currently insufficient to determine the role of this variant in disease. Therefore, it has been classified as a Variant of Uncertain Significance.

NM_001363711.2(DUOX2):c.3461T>G (p.Val1154Gly)

Gene: DUOX2 (dual oxidase 2; minus strand). Cytogenetic location: 15q21.1.
Variant type: single nucleotide variant.
Coding change: c.3461T>G on transcript NM_001363711.2 (MANE Select); coding-DNA position 3461, T replaced by G.
Protein change: p.Val1154Gly; replaces valine 1154 with glycine.
Molecular consequence: missense variant.
Genome position (GRCh38, 1-based): chr15:45,099,437, A>C on the plus strand (T>G on the coding strand, the complement: DUOX2 is on the minus strand). VCF-style: chr15-45099437-A-C. GRCh37 (hg19) VCF-style: chr15-45391635-A-C.
Other names: c.3461T>G, p.Val1154Gly (NM_014080.5); short protein forms V1154G.
Identifiers: ClinVar variation 4768943 (VCV004768943.1).